The following is an entry in ClinVar:

NM_007294.4(BRCA1):c.2489A>G (p.Lys830Arg)

Gene: BRCA1 (BRCA1 DNA repair associated; minus strand). Cytogenetic location: 17q21.31.
Variant type: single nucleotide variant.
Coding change: c.2489A>G on transcript NM_007294.4 (MANE Select); coding-DNA position 2489, A replaced by G.
Protein change: p.Lys830Arg; replaces lysine 830 with arginine.
Molecular consequence: missense variant. On other transcripts: intron variant (137).
Genome position (GRCh38, 1-based): chr17:43,093,042, T>C on the plus strand (A>G on the coding strand, the complement: BRCA1 is on the minus strand). VCF-style: chr17-43093042-T-C. GRCh37 (hg19) VCF-style: chr17-41245059-T-C.
Other names: c.2276A>G, p.Lys759Arg (NM_001407571.1, NM_001407853.1, NM_001407894.1 and 9 more transcripts); c.2489A>G, p.Lys830Arg (NM_001407581.1, NM_001407582.1, NM_001407583.1 and 30 more transcripts); c.2486A>G, p.Lys829Arg (NM_001407587.1, NM_001407590.1, NM_001407591.1 and 22 more transcripts); c.2480A>G, p.Lys827Arg (NM_001407646.1, NM_001407647.1); c.2366A>G, p.Lys789Arg (NM_001407648.1, NM_001407664.1, NM_001407665.1 and 19 more transcripts); c.2408A>G, p.Lys803Arg (NM_001407661.1, NM_001407662.1, NM_001407659.1 and 1 more transcripts); c.2411A>G, p.Lys804Arg (NM_001407663.1, NM_001407653.1, NM_001407654.1 and 4 more transcripts); c.2363A>G, p.Lys788Arg (NM_001407685.1, NM_001407686.1, NM_001407687.1 and 11 more transcripts); and 41 more; short protein forms K783R, K830R, K662R, K718R, K763R, K789R, K534R, K719R.
Identifiers: ClinVar variation 923989 (VCV000923989.6), dbSNP rs1597869641, ClinGen allele CA10597022.

ClinVar aggregate classification (germline): Conflicting classifications of pathogenicity. Review status: criteria provided, conflicting classifications (1 of 4 stars). 3 submissions from 3 submitters: Uncertain significance (2); Likely benign (1). Last evaluated 2026-02-03.

Conditions:
Hereditary cancer-predisposing syndrome. Also called: Tumor predisposition; Hereditary neoplastic syndrome; Hereditary Cancer Syndrome; Neoplastic Syndromes, Hereditary. Identifiers: Orphanet 140162, MedGen C0027672, MeSH D009386, MONDO:0015356.

Submissions (3):

Ambry Genetics
Classification: Uncertain significance for Hereditary cancer-predisposing syndrome. Last evaluated: 2026-02-03. Review status: criteria provided, single submitter. Criteria: Ambry Variant Classification Scheme 2023. Collection method: clinical testing. Allele origin: germline.
Comment: The p.K830R variant (also known as c.2489A>G), located in coding exon 9 of the BRCA1 gene, results from an A to G substitution at nucleotide position 2489. The lysine at codon 830 is replaced by arginine, an amino acid with highly similar properties. This amino acid position is not well conserved in available vertebrate species. In addition, this alteration is predicted to be tolerated by in silico analysis. Based on the available evidence, the clinical significance of this variant remains unclear.

University of Washington Department of Laboratory Medicine, University of Washington
Classification: Likely benign for Hereditary cancer-predisposing syndrome. Last evaluated: 2023-03-23. Review status: criteria provided, single submitter. Criteria: Dines et al. (Genet Med. 2020). Collection method: curation. Allele origin: germline.
Comment: Missense variant in a coldspot region where missense variants are very unlikely to be pathogenic (PMID:31911673).

BRCA1 coldspot (exon 11 using historical exon numbering). Reclassification based on statistical prior probability

Color Diagnostics, LLC DBA Color Health
Classification: Uncertain significance for Hereditary cancer-predisposing syndrome. Last evaluated: 2019-06-16. Review status: criteria provided, single submitter. Criteria: ACMG Guidelines, 2015. Collection method: clinical testing. Allele origin: germline.